The following is an entry in ClinVar:

NM_144499.3(GNAT1):c.703G>A (p.Glu235Lys)

Gene: GNAT1 (G protein subunit alpha transducin 1; plus strand). Cytogenetic location: 3p21.31.
Variant type: single nucleotide variant.
Coding change: c.703G>A on transcript NM_144499.3 (MANE Select); coding-DNA position 703, G replaced by A.
Protein change: p.Glu235Lys; replaces glutamic acid 235 with lysine.
Molecular consequence: missense variant.
Genome position (GRCh38, 1-based): chr3:50,194,216, G>A. VCF-style: chr3-50194216-G-A. GRCh37 (hg19) VCF-style: chr3-50231649-G-A.
Other names: c.703G>A, p.Glu235Lys (NM_000172.4); short protein forms E235K.
Identifiers: ClinVar variation 1310492 (VCV001310492.2), dbSNP rs1306113271, ClinGen allele CA352917390.

ClinVar aggregate classification (germline): Uncertain significance (1 of 4 stars; one submission).

Allele frequency attached by ClinVar (database versions not stated): gnomAD exomes below 0.00001; TOPMed below 0.00001.
gnomAD v4.1: 1 of 1,606,906 alleles (0.000062%); highest among the groups gnomAD compares: Non-Finnish European, 0.000085%; no homozygotes.

Submission:

GeneDx
Classification: Uncertain significance. Last evaluated: 2019-11-17. Review status: criteria provided, single submitter. Criteria: GeneDx Variant Classification Process June 2021. Collection method: clinical testing. Allele origin: germline. Affected: yes.
Comment: In silico analysis, which includes protein predictors and evolutionary conservation, supports a deleterious effect; Adequate data is not available in large population cohorts to assess the frequency of this variant in publicly available databases; Has not been previously published as pathogenic or benign to our knowledge